The following is an entry in ClinVar:

ClinVar aggregate classification (germline): Likely benign (1 of 4 stars; one submission).

Allele frequency attached by ClinVar (database versions not stated): ExAC 0.00002; gnomAD 0.00003; TOPMed 0.00003; 1000 Genomes Project 30x 0.00031; 1000 Genomes Project 0.00040.

Submission:

CeGaT Center for Human Genetics Tuebingen
Classification: Likely benign. Last evaluated: 2022-12-01. Review status: criteria provided, single submitter. Criteria: CeGaT Center For Human Genetics Tuebingen Variant Classification Criteria Version 2. Collection method: clinical testing. Allele origin: germline. Affected: yes. Observed: 1 variant allele.
Comment: RNF8: BP4, BP7

NM_003958.4(RNF8):c.219A>G (p.Gln73=)

Gene: RNF8 (ring finger protein 8; plus strand). Cytogenetic location: 6p21.2.
Variant type: single nucleotide variant.
Coding change: c.219A>G on transcript NM_003958.4 (MANE Select); coding-DNA position 219, A replaced by G.
Protein change: p.Gln73=; no amino-acid change (glutamine 73 retained).
Molecular consequence: synonymous variant. On other transcripts: non-coding transcript variant (1).
Genome position (GRCh38, 1-based): chr6:37,360,553, A>G. VCF-style: chr6-37360553-A-G. GRCh37 (hg19) VCF-style: chr6-37328329-A-G.
Other names: c.219A>G, p.Gln73= (NM_183078.3).
Identifiers: ClinVar variation 2656525 (VCV002656525.24), dbSNP rs184803752, ClinGen allele CA3784737.